The following is an entry in ClinVar:

ClinVar aggregate classification (germline): Uncertain significance (1 of 4 stars; one submission).

Conditions:
Familial hypocalciuric hypercalcemia (FHH). Also called: Familial benign hypercalcemia. Identifiers: Orphanet 405, MedGen C1809471, MONDO:0018458.
Autosomal dominant hypocalcemia 1 (HYPOC1). Also called: HYPOCALCEMIA, FAMILIAL. Identifiers: MedGen C3715128, MONDO:0011013, OMIM 601198.

Submission:

Labcorp Genetics (formerly Invitae), Labcorp
Classification: Uncertain significance for Familial hypocalciuric hypercalcemia; Autosomal dominant hypocalcemia 1. Last evaluated: 2022-05-15. Review status: criteria provided, single submitter. Criteria: Invitae Variant Classification Sherloc (09022015). Collection method: clinical testing. Allele origin: germline.
Comment: In summary, the available evidence is currently insufficient to determine the role of this variant in disease. Therefore, it has been classified as a Variant of Uncertain Significance. Algorithms developed to predict the effect of missense changes on protein structure and function (SIFT, PolyPhen-2, Align-GVGD) all suggest that this variant is likely to be disruptive. This variant has not been reported in the literature in individuals affected with CASR-related conditions. This variant is not present in population databases (gnomAD no frequency). This sequence change replaces lysine, which is basic and polar, with asparagine, which is neutral and polar, at codon 717 of the CASR protein (p.Lys717Asn).

NM_000388.4(CASR):c.2151G>C (p.Lys717Asn)

Gene: CASR (calcium sensing receptor; plus strand). Cytogenetic location: 3q21.1.
Variant type: single nucleotide variant.
Coding change: c.2151G>C on transcript NM_000388.4 (MANE Select); coding-DNA position 2151, G replaced by C.
Protein change: p.Lys717Asn; replaces lysine 717 with asparagine.
Molecular consequence: missense variant.
Genome position (GRCh38, 1-based): chr3:122,284,105, G>C. VCF-style: chr3-122284105-G-C. GRCh37 (hg19) VCF-style: chr3-122002952-G-C.
Other names: c.2181G>C, p.Lys727Asn (NM_001178065.2); short protein forms K717N, K727N.
Identifiers: ClinVar variation 1994759 (VCV001994759.4), dbSNP rs747627445, ClinGen allele CA354158790.